The following is an entry in ClinVar:

NM_024675.4(PALB2):c.3071A>T (p.Glu1024Val)

Gene: PALB2 (partner and localizer of BRCA2; minus strand). Cytogenetic location: 16p12.2.
Variant type: single nucleotide variant.
Coding change: c.3071A>T on transcript NM_024675.4 (MANE Select); coding-DNA position 3071, A replaced by T.
Protein change: p.Glu1024Val; replaces glutamic acid 1024 with valine.
Molecular consequence: missense variant. On other transcripts: intron variant (1).
Genome position (GRCh38, 1-based): chr16:23,621,404, T>A on the plus strand (A>T on the coding strand, the complement: PALB2 is on the minus strand). VCF-style: chr16-23621404-T-A. GRCh37 (hg19) VCF-style: chr16-23632725-T-A.
Other names: c.3011A>T, p.Glu1004Val (NM_001407296.1); c.2999A>T, p.Glu1000Val (NM_001407297.1); c.2909A>T, p.Glu970Val (NM_001407298.1, NM_001407302.1); c.3071A>T, p.Glu1024Val (NM_001407299.1, NM_001407301.1); c.2186A>T, p.Glu729Val (NM_001407304.1, NM_001407305.1, NM_001407306.1 and 4 more transcripts); c.2024A>T, p.Glu675Val (NM_001407307.1); c.1283A>T, p.Glu428Val (NM_001407312.1, NM_001407313.1); c.605A>T, p.Glu202Val (NM_001407314.1); and 1 more; short protein forms E1024V, E970V, E1000V, E675V, E1004V, E202V, E729V, E428V.
Identifiers: ClinVar variation 2806391 (VCV002806391.3), dbSNP rs2506318360, ClinGen allele CA395142944.
Genomic context (GRCh38, chr16:23,621,404, plus strand): 5'-CCTAGAGGGAAAGCTTACCAAATAACAATGTTGTTCATAATAGTAGTACCAAGCAGAGCT[T>A]CTTGCATCCCTTGGACCTCAGCAAAAGTTAGTATAGTCTCCTCAGGGGGCATCAAAAATT-3'
Protein context (NP_078951.2, residues 1014-1034): LTFAEVQGMQ[Glu1024Val]ALLGTTIMNN

ClinVar aggregate classification (germline): Uncertain significance (1 of 4 stars; one submission).

Conditions:
Familial cancer of breast. Also called: hereditary breast carcinoma; Hereditary breast cancer; BREAST CANCER, FAMILIAL. Identifiers: Orphanet 227535, MedGen C0346153, MONDO:0016419, OMIM 114480. Disease mechanism: loss of function.

Submission:

Labcorp Genetics (formerly Invitae), Labcorp
Classification: Uncertain significance for Familial cancer of breast. Last evaluated: 2025-05-05. Review status: criteria provided, single submitter. Criteria: Invitae Variant Classification Sherloc (09022015). Collection method: clinical testing. Allele origin: germline.
Comment: This sequence change replaces glutamic acid, which is acidic and polar, with valine, which is neutral and non-polar, at codon 1024 of the PALB2 protein (p.Glu1024Val). This variant is not present in population databases (gnomAD no frequency). This variant has not been reported in the literature in individuals affected with PALB2-related conditions. ClinVar contains an entry for this variant (Variation ID: 2806391). Invitae Evidence Modeling of protein sequence and biophysical properties (such as structural, functional, and spatial information, amino acid conservation, physicochemical variation, residue mobility, and thermodynamic stability) indicates that this missense variant is expected to disrupt PALB2 protein function with a positive predictive value of 80%. In summary, the available evidence is currently insufficient to determine the role of this variant in disease. Therefore, it has been classified as a Variant of Uncertain Significance.